The following is an entry in ClinVar:

ClinVar aggregate classification (germline): Uncertain significance. Review status: criteria provided, multiple submitters, no conflicts (2 of 4 stars). 3 submissions from 3 submitters: Uncertain significance (3). Last evaluated 2024-10-14.

Conditions:
CEP164-related disorder. Also called: CEP164-related condition.
Nephronophthisis 15 (NPHP15). Identifiers: Orphanet 3156, MedGen C3541853, MONDO:0013917, OMIM 614845.

Allele frequency attached by ClinVar (database versions not stated): gnomAD exomes below 0.00001 and 0.00001; TOPMed below 0.00001; ExAC 0.00001.
gnomAD v4.1: 7 of 1,614,110 alleles (0.00043%); highest among the groups gnomAD compares: Admixed American, 0.0067%; no homozygotes.

Submissions (3):

PreventionGenetics, part of Exact Sciences
Classification: Uncertain significance for CEP164-related condition. Last evaluated: 2024-10-14. Review status: criteria provided, single submitter. Criteria: ACMG Guidelines, 2015. Collection method: clinical testing. Allele origin: germline.
Comment: The CEP164 c.2884G>A variant is predicted to result in the amino acid substitution p.Val962Met. To our knowledge, this variant has not been reported in the literature. This variant is reported in 0.0058% of alleles in individuals of Latino descent in gnomAD. At this time, the clinical significance of this variant is uncertain due to the absence of conclusive functional and genetic evidence.

Fulgent Genetics
Classification: Uncertain significance for Nephronophthisis 15. Last evaluated: 2024-06-03. Review status: criteria provided, single submitter. Criteria: ACMG Guidelines, 2015. Collection method: clinical testing. Allele origin: germline.

Labcorp Genetics (formerly Invitae), Labcorp
Classification: Uncertain significance for Nephronophthisis 15. Last evaluated: 2021-09-02. Review status: criteria provided, single submitter. Criteria: Invitae Variant Classification Sherloc (09022015). Collection method: clinical testing. Allele origin: germline.
Comment: This sequence change replaces valine with methionine at codon 962 of the CEP164 protein (p.Val962Met). The valine residue is moderately conserved and there is a small physicochemical difference between valine and methionine. The frequency data for this variant in the population databases is considered unreliable, as metrics indicate poor data quality at this position in the ExAC database. This variant has not been reported in the literature in individuals affected with CEP164-related conditions. Algorithms developed to predict the effect of missense changes on protein structure and function output the following: SIFT: "Deleterious"; PolyPhen-2: "Benign"; Align-GVGD: "Class C0". The methionine amino acid residue is found in multiple mammalian species, which suggests that this missense change does not adversely affect protein function. In summary, the available evidence is currently insufficient to determine the role of this variant in disease. Therefore, it has been classified as a Variant of Uncertain Significance.

NM_014956.5(CEP164):c.2884G>A (p.Val962Met)

Gene: CEP164 (centrosomal protein 164; plus strand). Cytogenetic location: 11q23.3.
Variant type: single nucleotide variant.
Coding change: c.2884G>A on transcript NM_014956.5 (MANE Select); coding-DNA position 2884, G replaced by A.
Protein change: p.Val962Met; replaces valine 962 with methionine.
Molecular consequence: missense variant.
Genome position (GRCh38, 1-based): chr11:117,395,162, G>A. VCF-style: chr11-117395162-G-A. GRCh37 (hg19) VCF-style: chr11-117265878-G-A.
Other names: c.2893G>A, p.Val965Met (NM_001271933.2); c.2884G>A (NM_014956.4); short protein forms V962M, V965M.
Identifiers: ClinVar variation 1024735 (VCV001024735.8), dbSNP rs750570669, ClinGen allele CA6295261.